The following is an entry in ClinVar:

ClinVar aggregate classification (germline): Uncertain significance (1 of 4 stars; one submission).

Submission:

GeneDx
Classification: Uncertain significance. Last evaluated: 2022-10-06. Review status: criteria provided, single submitter. Criteria: GeneDx Variant Classification Process June 2021. Collection method: clinical testing. Allele origin: germline. Affected: yes.
Comment: Not observed at significant frequency in large population cohorts (gnomAD); In silico analysis supports that this missense variant has a deleterious effect on protein structure/function; Has not been previously published as pathogenic or benign to our knowledge

NM_005639.3(SYT1):c.536A>G (p.Asp179Gly)

Gene: SYT1 (synaptotagmin 1; plus strand). Cytogenetic location: 12q21.2.
Variant type: single nucleotide variant.
Coding change: c.536A>G on transcript NM_005639.3 (MANE Select); coding-DNA position 536, A replaced by G.
Protein change: p.Asp179Gly; replaces aspartic acid 179 with glycine.
Molecular consequence: missense variant.
Genome position (GRCh38, 1-based): chr12:79,296,130, A>G. VCF-style: chr12-79296130-A-G. GRCh37 (hg19) VCF-style: chr12-79689910-A-G.
Other names: c.536A>G, p.Asp179Gly (NM_001135805.2, NM_001135806.2, NM_001415938.1 and 2 more transcripts); c.527A>G, p.Asp176Gly (NM_001291901.2, NM_001415941.1, NM_001415942.1 and 1 more transcripts); short protein forms D176G, D179G.
Identifiers: ClinVar variation 2498061 (VCV002498061.1), dbSNP rs2547658372, ClinGen allele CA385929682.
Genomic context (GRCh38, chr12:79,296,130, plus strand): 5'-TGCTGGTAGGGATCATTCAGGCTGCCGAACTGCCCGCCTTGGACATGGGGGGCACATCTG[A>G]TCCTTACGTGAAAGTGTTTCTGCTACCTGATAAGAAGAAGAAATTTGAGACAAAAGTCCA-3'
Protein context (NP_005630.1, residues 169-189): LPALDMGGTS[Asp179Gly]PYVKVFLLPD